The following is an entry in ClinVar:

NM_032776.3(JMJD1C):c.468C>G (p.Asn156Lys)

Gene: JMJD1C (jumonji domain containing 1C; minus strand). Cytogenetic location: 10q21.3.
Variant type: single nucleotide variant.
Coding change: c.468C>G on transcript NM_032776.3 (MANE Select); coding-DNA position 468, C replaced by G.
Protein change: p.Asn156Lys; replaces asparagine 156 with lysine.
Molecular consequence: missense variant. On other transcripts: 5 prime UTR variant (3), intron variant (2).
Genome position (GRCh38, 1-based): chr10:63,219,963, G>C on the plus strand (C>G on the coding strand, the complement: JMJD1C is on the minus strand). VCF-style: chr10-63219963-G-C. GRCh37 (hg19) VCF-style: chr10-64979723-G-C.
Other names: c.-79C>G (NM_001282948.2, NM_001318154.2); c.-401C>G (NM_001318153.2); c.354C>G, p.Asn118Lys (NM_001322252.2); c.-104-2632C>G (NM_001322258.2, NM_001322254.2); short protein forms N156K, N118K.
Identifiers: ClinVar variation 788210 (VCV000788210.12), dbSNP rs145265323, ClinGen allele CA5519027.
Genomic context (GRCh38, chr10:63,219,963, plus strand): 5'-TTGTTCCTTTACCCAGACTTTCACTTCCTCATGAAGCTGCGGGTTGTCCCTGAGAACTGG[G>C]TTTAGGCTGTCTATGTCGTCCTAGAATTATAGATTAAAAGAAAGGTCCATGTTACGCTCT-3'
Protein context (NP_116165.1, residues 146-166): QPYQDDIDSL[Asn156Lys]PVLRDNPQLH

ClinVar aggregate classification (germline): Conflicting classifications of pathogenicity. Review status: criteria provided, conflicting classifications (1 of 4 stars). 2 submissions from 2 submitters: Uncertain significance (1); Likely benign (1). Last evaluated 2026-02-02.

Conditions:
Early Myoclonic Encephalopathy. Identifiers: MedGen C0270855.

Allele frequency attached by ClinVar (database versions not stated): gnomAD 0.00057; 1000 Genomes Project 0.00060; 1000 Genomes Project 30x 0.00062; ExAC 0.00026; ESP Exome Variant Server 0.00101; TOPMed 0.00082.
gnomAD v4.1: 176 of 1,613,096 alleles (0.011%); highest among the groups gnomAD compares: African/African-American, 0.2%; 1 homozygote.

Submissions (2):

Labcorp Genetics (formerly Invitae), Labcorp
Classification: Likely benign for Early Myoclonic Encephalopathy. Last evaluated: 2026-02-02. Review status: criteria provided, single submitter. Criteria: Invitae Variant Classification Sherloc (09022015). Collection method: clinical testing. Allele origin: germline.

Center for Genomics, Ann and Robert H. Lurie Children's Hospital of Chicago
Classification: Uncertain significance. Last evaluated: 2021-05-16. Review status: criteria provided, single submitter. Criteria: ACMG Guidelines, 2015. Collection method: clinical testing. Allele origin: germline.
Comment: JMJD1C NM_032776.2 exon 4 p.Asn156Lys (c.468C>G): This variant has not been reported in the literature but is present in 0.2% (86/41434) of African alleles including 1 homozygote in the Genome Aggregation Database. This variant is present in ClinVar (Variation ID:788210). This variant amino acid Lysine (Lys) is present in 5 species (Prarie vole, Chinese hamster, Golden hamster, Mouse, Rat) and is not well conserved among evolutionarily distant species; this suggests that this variant may not impact the protein. Additional computational prediction tools do not suggest an impact. In summary, data on this variant is insufficient for disease classification. Therefore, the clinical significance of this variant is uncertain.